The following is an entry in ClinVar:

NM_001372.4(DNAH9):c.10242+4C>T

Gene: DNAH9 (dynein axonemal heavy chain 9; plus strand). Cytogenetic location: 17p12.
Variant type: single nucleotide variant.
Coding change: c.10242+4C>T on transcript NM_001372.4 (MANE Select); 4 bases into the intron after coding-DNA position 10242, C replaced by T.
Molecular consequence: intron variant.
Genome position (GRCh38, 1-based): chr17:11,871,790, C>T. VCF-style: chr17-11871790-C-T. GRCh37 (hg19) VCF-style: chr17-11775107-C-T.
Identifiers: ClinVar variation 1446074 (VCV001446074.6), dbSNP rs371080392, ClinGen allele CA8397441.

ClinVar aggregate classification (germline): Uncertain significance (1 of 4 stars; one submission).

Allele frequency attached by ClinVar (database versions not stated): ESP Exome Variant Server 0.00008.
gnomAD v4.1: 3 of 1,613,384 alleles (0.00019%); highest among the groups gnomAD compares: East Asian, 0.0022%; no homozygotes.

Submission:

Labcorp Genetics (formerly Invitae), Labcorp
Classification: Uncertain significance. Last evaluated: 2022-10-13. Review status: criteria provided, single submitter. Criteria: Invitae Variant Classification Sherloc (09022015). Collection method: clinical testing. Allele origin: germline.
Comment: In summary, the available evidence is currently insufficient to determine the role of this variant in disease. Therefore, it has been classified as a Variant of Uncertain Significance. Variants that disrupt the consensus splice site are a relatively common cause of aberrant splicing (PMID: 17576681, 9536098). Algorithms developed to predict the effect of sequence changes on RNA splicing suggest that this variant is not likely to affect RNA splicing. ClinVar contains an entry for this variant (Variation ID: 1446074). This variant has not been reported in the literature in individuals affected with DNAH9-related conditions. This variant is present in population databases (rs371080392, gnomAD 0.006%). This sequence change falls in intron 52 of the DNAH9 gene. It does not directly change the encoded amino acid sequence of the DNAH9 protein. It affects a nucleotide within the consensus splice site.

Literature cited by the submitters: PubMed 17576681; PubMed 9536098.